The following is an entry in ClinVar:

ClinVar aggregate classification (germline): Uncertain significance (1 of 4 stars; one submission).

gnomAD v4.1: 2 of 1,614,124 alleles (0.00012%); highest among the groups gnomAD compares: Non-Finnish European, 0.00017%; no homozygotes.

Submission:

Labcorp Genetics (formerly Invitae), Labcorp
Classification: Uncertain significance. Last evaluated: 2024-03-09. Review status: criteria provided, single submitter. Criteria: Invitae Variant Classification Sherloc (09022015). Collection method: clinical testing. Allele origin: germline.
Comment: This sequence change replaces glutamine, which is neutral and polar, with lysine, which is basic and polar, at codon 1291 of the FLNB protein (p.Gln1291Lys). This variant is not present in population databases (gnomAD no frequency). This variant has not been reported in the literature in individuals affected with FLNB-related conditions. Advanced modeling of protein sequence and biophysical properties (such as structural, functional, and spatial information, amino acid conservation, physicochemical variation, residue mobility, and thermodynamic stability) performed at Invitae indicates that this missense variant is not expected to disrupt FLNB protein function with a negative predictive value of 95%. In summary, the available evidence is currently insufficient to determine the role of this variant in disease. Therefore, it has been classified as a Variant of Uncertain Significance.

NM_001457.4(FLNB):c.3871C>A (p.Gln1291Lys)

Gene: FLNB (filamin B; plus strand). Cytogenetic location: 3p14.3.
Variant type: single nucleotide variant.
Coding change: c.3871C>A on transcript NM_001457.4 (MANE Select); coding-DNA position 3871, C replaced by A.
Protein change: p.Gln1291Lys; replaces glutamine 1291 with lysine.
Molecular consequence: missense variant.
Genome position (GRCh38, 1-based): chr3:58,124,478, C>A. VCF-style: chr3-58124478-C-A. GRCh37 (hg19) VCF-style: chr3-58110205-C-A.
Other names: c.3871C>A, p.Gln1291Lys (NM_001164317.2, NM_001164318.2, NM_001164319.2); short protein forms Q1291K.
Identifiers: ClinVar variation 3710184 (VCV003710184.2).